The following is an entry in ClinVar:

ClinVar aggregate classification (germline): Uncertain significance (1 of 4 stars; one submission).

Allele frequency attached by ClinVar (database versions not stated): gnomAD exomes below 0.00001 and 0.00001.
gnomAD v4.1: 6 of 1,614,068 alleles (0.00037%); highest among the groups gnomAD compares: African/African-American, 0.0027%; no homozygotes.

Submission:

Labcorp Genetics (formerly Invitae), Labcorp
Classification: Uncertain significance. Last evaluated: 2024-03-01. Review status: criteria provided, single submitter. Criteria: Invitae Variant Classification Sherloc (09022015). Collection method: clinical testing. Allele origin: germline.
Comment: This sequence change replaces threonine, which is neutral and polar, with methionine, which is neutral and non-polar, at codon 166 of the ERBB2 protein (p.Thr166Met). This variant is present in population databases (no rsID available, gnomAD 0.004%). This variant has not been reported in the literature in individuals affected with ERBB2-related conditions. ClinVar contains an entry for this variant (Variation ID: 1407923). Advanced modeling of protein sequence and biophysical properties (such as structural, functional, and spatial information, amino acid conservation, physicochemical variation, residue mobility, and thermodynamic stability) performed at Invitae indicates that this missense variant is not expected to disrupt ERBB2 protein function with a negative predictive value of 80%. In summary, the available evidence is currently insufficient to determine the role of this variant in disease. Therefore, it has been classified as a Variant of Uncertain Significance.

NM_004448.4(ERBB2):c.497C>T (p.Thr166Met)

Gene: ERBB2 (erb-b2 receptor tyrosine kinase 2; plus strand). Cytogenetic location: 17q12.
Variant type: single nucleotide variant.
Coding change: c.497C>T on transcript NM_004448.4 (MANE Select); coding-DNA position 497, C replaced by T.
Protein change: p.Thr166Met; replaces threonine 166 with methionine.
Molecular consequence: missense variant. On other transcripts: non-coding transcript variant (1), intron variant (2).
Genome position (GRCh38, 1-based): chr17:39,709,375, C>T. VCF-style: chr17-39709375-C-T. GRCh37 (hg19) VCF-style: chr17-37865628-C-T.
Other names: c.407C>T, p.Thr136Met (NM_001005862.3, NM_001289938.2, NM_001382782.1 and 1 more transcripts); c.452C>T, p.Thr151Met (NM_001289936.2); c.497C>T, p.Thr166Met (NM_001289937.2, NM_001382784.1, NM_001382785.1 and 17 more transcripts); c.572C>T, p.Thr191Met (NM_001382787.1); c.488C>T, p.Thr163Met (NM_001382791.1); c.440-483C>T (NM_001382799.1); c.74-2553C>T (NM_001382804.1); short protein forms T136M, T151M, T191M, T166M, T163M.
Identifiers: ClinVar variation 1407923 (VCV001407923.8), dbSNP rs1227559137, ClinGen allele CA399275296.